The following is an entry in ClinVar:

NM_002098.6(GUCA1B):c.*220A>G

Gene: GUCA1B (guanylate cyclase activator 1B; minus strand). Cytogenetic location: 6p21.1.
Variant type: single nucleotide variant.
Coding change: c.*220A>G on transcript NM_002098.6 (MANE Select); 220 bases downstream of the stop codon, A replaced by G.
Molecular consequence: 3 prime UTR variant.
Genome position (GRCh38, 1-based): chr6:42,184,595, T>C on the plus strand (A>G on the coding strand, the complement: GUCA1B is on the minus strand). VCF-style: chr6-42184595-T-C. GRCh37 (hg19) VCF-style: chr6-42152333-T-C.
Identifiers: ClinVar variation 356729 (VCV000356729.7), dbSNP rs3749920, ClinGen allele CA10622090.

ClinVar aggregate classification (germline): Benign/Likely benign. Review status: criteria provided, multiple submitters, no conflicts (2 of 4 stars). 2 submissions from 2 submitters: Benign (1); Likely benign (1). Last evaluated 2018-01-13.

Conditions:
Retinitis pigmentosa (RP). Identifiers: Orphanet 791, MedGen C0035334, MeSH D012174, MONDO:0019200, OMIM 268000. Inheritance: Autosomal dominant, autosomal recessive and X linked inheritance.

Allele frequency attached by ClinVar (database versions not stated): gnomAD exomes 0.06561; 1000 Genomes Project 0.07029; gnomAD 0.07099 and 0.07278; 1000 Genomes Project 30x 0.07183; TOPMed 0.07609.

Submissions (2):

Illumina Laboratory Services, Illumina
Classification: Benign for Retinitis pigmentosa. Last evaluated: 2018-01-13. Review status: criteria provided, single submitter. Criteria: ICSL Variant Classification Criteria 13 December 2019. Collection method: clinical testing. Allele origin: germline.
Comment: This variant was observed in the ICSL laboratory as part of a predisposition screen in an ostensibly healthy population. It had not been previously curated by ICSL or reported in the Human Gene Mutation Database (HGMD: prior to June 1st, 2018), and was therefore a candidate for classification through an automated scoring system. Utilizing variant allele frequency, disease prevalence and penetrance estimates, and inheritance mode, an automated score was calculated to assess if this variant is too frequent to cause the disease. Based on the score and internal cut-off values, a variant classified as benign is not then subjected to further curation. The score for this variant resulted in a classification of benign for this disease.

Breakthrough Genomics
Classification: Likely benign. Review status: criteria provided, single submitter. Criteria: ACMG Guidelines, 2015. Collection method: not provided. Allele origin: germline. Inheritance: Unknown mechanism. Affected: yes.